The following is an entry in ClinVar:

NM_018896.5(CACNA1G):c.5542G>A (p.Ala1848Thr)

Gene: CACNA1G (calcium voltage-gated channel subunit alpha1 G; plus strand). Cytogenetic location: 17q21.33.
Variant type: single nucleotide variant.
Coding change: c.5542G>A on transcript NM_018896.5 (MANE Select); coding-DNA position 5542, G replaced by A.
Protein change: p.Ala1848Thr; replaces alanine 1848 with threonine.
Molecular consequence: missense variant. On other transcripts: non-coding transcript variant (5).
Genome position (GRCh38, 1-based): chr17:50,618,769, G>A. VCF-style: chr17-50618769-G-A. GRCh37 (hg19) VCF-style: chr17-48696130-G-A.
Other names: c.5488G>A, p.Ala1830Thr (NM_001256324.2, NM_198386.3); c.5563G>A, p.Ala1855Thr (NM_001256325.2); c.5407G>A, p.Ala1803Thr (NM_001256326.2, NM_001256330.2); c.5521G>A, p.Ala1841Thr (NM_001256327.2); c.5467G>A, p.Ala1823Thr (NM_001256328.2); c.5440G>A, p.Ala1814Thr (NM_001256329.2, NM_198376.3, NM_198379.3 and 2 more transcripts); c.5386G>A, p.Ala1796Thr (NM_001256331.2); c.5371G>A, p.Ala1791Thr (NM_001256332.2); and 7 more; short protein forms A1791T, A1796T, A1803T, A1807T, A1810T, A1812T, A1814T, A1821T.
Identifiers: ClinVar variation 4686745 (VCV004686745.2).
Genomic context (GRCh38, chr17:50,618,769, plus strand): 5'-CCTATCTACTTTGTGTCCTTCGTGCTGACGGCCCAGTTCGTGCTAGTCAACGTGGTGATC[G>A]CCGTGCTGATGAAGCACCTGGAGGAGAGCAACAAGGAGGCCAAGGAGGAGGCCGAGCTAG-3'
Protein context (NP_061496.2, residues 1838-1858): AQFVLVNVVI[Ala1848Thr]VLMKHLEESN

ClinVar aggregate classification (germline): Uncertain significance (1 of 4 stars; one submission).

Submission:

GeneDx
Classification: Uncertain significance. Last evaluated: 2026-08-06. Review status: criteria provided, single submitter. Criteria: GeneDx Variant Classification Process June 2021. Collection method: clinical testing. Allele origin: germline.
Comment: Has not been previously published as pathogenic or benign to our knowledge; Not observed at significant frequency in large population cohorts (gnomAD); In silico analysis supports that this missense variant has a deleterious effect on protein structure/function